The following is an entry in ClinVar:

ClinVar aggregate classification (germline): Conflicting classifications of pathogenicity. Review status: criteria provided, conflicting classifications (1 of 4 stars). 5 submissions from 5 submitters: Uncertain significance (4); Likely benign (1). Last evaluated 2025-08-11.

Conditions:
Mismatch repair cancer syndrome 3. Identifiers: MedGen C5436807, MONDO:0030841, OMIM 619097.
Endometrial carcinoma. Also called: Endometrial carcinoma, somatic. Identifiers: MedGen C0476089, MONDO:0002447, OMIM 608089, HP:0012114.
Lynch syndrome 5 (LYNCH5). Also called: Colorectal cancer, hereditary nonpolyposis, type 5; Hereditary non-polyposis colorectal cancer, type 5. Identifiers: Orphanet 144, MedGen C1833477, MONDO:0013710, OMIM 614350. Disease mechanism: loss of function.
Hereditary nonpolyposis colorectal neoplasms. Identifiers: MedGen C0009405, MeSH D003123.
Hereditary cancer-predisposing syndrome. Also called: Neoplastic Syndromes, Hereditary; Tumor predisposition; Hereditary Cancer Syndrome; Hereditary neoplastic syndrome. Identifiers: Orphanet 140162, MedGen C0027672, MeSH D009386, MONDO:0015356.
Lynch syndrome. Identifiers: Orphanet 144, MedGen C4552100, MONDO:0005835. Disease mechanism: loss of function.

Allele frequency attached by ClinVar (database versions not stated): gnomAD exomes below 0.00001; TOPMed below 0.00001.
gnomAD v4.1: 3 of 1,614,112 alleles (0.00019%); highest among the groups gnomAD compares: South Asian, 0.0022%; no homozygotes.

Submissions (5):

Labcorp Genetics (formerly Invitae), Labcorp
Classification: Likely benign for Hereditary nonpolyposis colorectal neoplasms. Last evaluated: 2025-08-11. Review status: criteria provided, single submitter. Criteria: Invitae Variant Classification Sherloc (09022015). Collection method: clinical testing. Allele origin: germline.

Fulgent Genetics
Classification: Uncertain significance for Endometrial carcinoma; Lynch syndrome 5; Mismatch repair cancer syndrome 3. Last evaluated: 2024-05-15. Review status: criteria provided, single submitter. Criteria: ACMG Guidelines, 2015. Collection method: clinical testing. Allele origin: germline.

Ambry Genetics
Classification: Uncertain significance for Hereditary cancer-predisposing syndrome. Last evaluated: 2024-03-28. Review status: criteria provided, single submitter. Criteria: Ambry Variant Classification Scheme 2023. Collection method: clinical testing. Allele origin: germline.
Comment: The p.I1239V variant (also known as c.3715A>G), located in coding exon 8 of the MSH6 gene, results from an A to G substitution at nucleotide position 3715. The isoleucine at codon 1239 is replaced by valine, an amino acid with highly similar properties. This amino acid position is well conserved in available vertebrate species. In addition, this alteration is predicted to be tolerated by in silico analysis. Based on the available evidence, the clinical significance of this alteration remains unclear.

All of Us Research Program, National Institutes of Health
Classification: Uncertain significance for Lynch syndrome. Last evaluated: 2023-11-20. Review status: criteria provided, single submitter. Criteria: ACMG Guidelines, 2015. Collection method: clinical testing. Allele origin: germline. Inheritance: Autosomal dominant inheritance. Observed: 2 variant alleles, 2 heterozygotes.
Comment: This missense variant replaces isoleucine with valine at codon 1239 of the MSH6 protein. Computational prediction suggests that this variant may not impact protein structure and function (internally defined REVEL score threshold <= 0.5, PMID: 27666373). To our knowledge, functional studies have not been reported for this variant. This variant has not been reported in individuals affected with MSH6-related disorders in the literature. This variant has been identified in 1/251224 chromosomes in the general population by the Genome Aggregation Database (gnomAD). The available evidence is insufficient to determine the role of this variant in disease conclusively. Therefore, this variant is classified as a Variant of Uncertain Significance.

This study involves interpretation of variants in research participants for the purpose of population health screening. Participant phenotype was not available at the time of variant classification. Additional details can be found in publication PMID: 35346344, PMCID: PMC8962531

Baylor Genetics
Classification: Uncertain significance for Endometrial carcinoma. Last evaluated: 2023-11-19. Review status: criteria provided, single submitter. Criteria: ACMG Guidelines, 2015. Collection method: clinical testing. Allele origin: unknown.

NM_000179.3(MSH6):c.3715A>G (p.Ile1239Val)

Gene: MSH6 (mutS homolog 6; plus strand). Cytogenetic location: 2p16.3.
Variant type: single nucleotide variant.
Coding change: c.3715A>G on transcript NM_000179.3 (MANE Select); coding-DNA position 3715, A replaced by G.
Protein change: p.Ile1239Val; replaces isoleucine 1239 with valine.
Molecular consequence: missense variant.
Genome position (GRCh38, 1-based): chr2:47,806,272, A>G. VCF-style: chr2-47806272-A-G. GRCh37 (hg19) VCF-style: chr2-48033411-A-G.
Other names: c.3325A>G, p.Ile1109Val (NM_001281492.2); c.2809A>G, p.Ile937Val (NM_001281493.2, NM_001281494.2); short protein forms I1239V, I1109V, I937V.
Identifiers: ClinVar variation 525686 (VCV000525686.14), dbSNP rs1469961964, ClinGen allele CA346761006.